The following is an entry in ClinVar:

NM_016222.4(DDX41):c.1234G>A (p.Val412Ile)

Gene: DDX41 (DEAD-box helicase 41; minus strand). Cytogenetic location: 5q35.3.
Variant type: single nucleotide variant.
Coding change: c.1234G>A on transcript NM_016222.4 (MANE Select); coding-DNA position 1234, G replaced by A.
Protein change: p.Val412Ile; replaces valine 412 with isoleucine.
Molecular consequence: missense variant.
Genome position (GRCh38, 1-based): chr5:177,513,079, C>T on the plus strand (G>A on the coding strand, the complement: DDX41 is on the minus strand). VCF-style: chr5-177513079-C-T. GRCh37 (hg19) VCF-style: chr5-176940080-C-T.
Other names: c.856G>A, p.Val286Ile (NM_001321732.2, NM_001321830.2); c.1234G>A (NM_016222.2); short protein forms V286I, V412I.
Identifiers: ClinVar variation 1916143 (VCV001916143.7), dbSNP rs367653265, ClinGen allele CA3584833.

ClinVar aggregate classification (germline): Uncertain significance. Review status: criteria provided, multiple submitters, no conflicts (2 of 4 stars). 3 submissions from 3 submitters: Uncertain significance (3). Last evaluated 2025-01-02.

Conditions:
DDX41-related hematologic malignancy predisposition syndrome. Also called: DDX41-Associated Familial Myelodysplastic Syndrome and Acute Myeloid Leukemia; Myeloproliferative/lymphoproliferative neoplasms, familial (multiple types), susceptibility to. Identifiers: Orphanet 488647, MedGen C4225174, MONDO:0014809, OMIM 616871.
Inborn genetic diseases. Identifiers: MedGen C0950123, MeSH D030342.

Allele frequency attached by ClinVar (database versions not stated): gnomAD exomes 0.00002; TOPMed 0.00002; ExAC 0.00005; ESP Exome Variant Server 0.00008.

Submissions (3):

Ambry Genetics
Classification: Uncertain significance for Inborn genetic diseases. Last evaluated: 2025-01-02. Review status: criteria provided, single submitter. Criteria: Ambry Variant Classification Scheme 2023. Collection method: clinical testing. Allele origin: germline.
Comment: The p.V412I variant (also known as c.1234G>A), located in coding exon 12 of the DDX41 gene, results from a G to A substitution at nucleotide position 1234. The valine at codon 412 is replaced by isoleucine, an amino acid with highly similar properties. This amino acid position is highly conserved in available vertebrate species. In addition, the in silico prediction for this alteration is inconclusive. Based on the available evidence, the clinical significance of this variant remains unclear.

Baylor Genetics
Classification: Uncertain significance for DDX41-related hematologic malignancy predisposition syndrome. Last evaluated: 2023-09-20. Review status: criteria provided, single submitter. Criteria: ACMG Guidelines, 2015. Collection method: clinical testing. Allele origin: unknown.

Labcorp Genetics (formerly Invitae), Labcorp
Classification: Uncertain significance. Last evaluated: 2022-06-12. Review status: criteria provided, single submitter. Criteria: Invitae Variant Classification Sherloc (09022015). Collection method: clinical testing. Allele origin: germline.
Comment: In summary, the available evidence is currently insufficient to determine the role of this variant in disease. Therefore, it has been classified as a Variant of Uncertain Significance. Algorithms developed to predict the effect of missense changes on protein structure and function are either unavailable or do not agree on the potential impact of this missense change (SIFT: "Not Available"; PolyPhen-2: "Benign"; Align-GVGD: "Not Available"). This variant has not been reported in the literature in individuals affected with DDX41-related conditions. This variant is present in population databases (rs367653265, gnomAD 0.02%). This sequence change replaces valine, which is neutral and non-polar, with isoleucine, which is neutral and non-polar, at codon 412 of the DDX41 protein (p.Val412Ile).